The following is an entry in ClinVar:

ClinVar aggregate classification (germline): Likely pathogenic (1 of 4 stars; one submission).

Allele frequency attached by ClinVar (database versions not stated): gnomAD exomes below 0.00001; gnomAD 0.00001.
gnomAD v4.1: 5 of 1,613,146 alleles (0.00031%); highest among the groups gnomAD compares: South Asian, 0.0011%; no homozygotes.

Submission:

Labcorp Genetics (formerly Invitae), Labcorp
Classification: Likely pathogenic. Last evaluated: 2023-03-04. Review status: criteria provided, single submitter. Criteria: Invitae Variant Classification Sherloc (09022015). Collection method: clinical testing. Allele origin: germline.
Comment: This sequence change affects a donor splice site in intron 1 of the FRAS1 gene. It is expected to disrupt RNA splicing. Variants that disrupt the donor or acceptor splice site typically lead to a loss of protein function (PMID: 16199547), and loss-of-function variants in FRAS1 are known to be pathogenic (PMID: 12766769, 18671281). This variant is not present in population databases (gnomAD no frequency). This variant has not been reported in the literature in individuals affected with FRAS1-related conditions. ClinVar contains an entry for this variant (Variation ID: 1065900). Algorithms developed to predict the effect of sequence changes on RNA splicing suggest that this variant may disrupt the consensus splice site. In summary, the currently available evidence indicates that the variant is pathogenic, but additional data are needed to prove that conclusively. Therefore, this variant has been classified as Likely Pathogenic.

Literature cited by the submitters: PubMed 16199547; PubMed 12766769; PubMed 18671281.

NM_025074.7(FRAS1):c.76+1G>A

Gene: FRAS1 (Fraser extracellular matrix complex subunit 1; plus strand). Cytogenetic location: 4q21.21.
Variant type: single nucleotide variant.
Coding change: c.76+1G>A on transcript NM_025074.7 (MANE Select); the canonical splice donor site of the intron after coding-DNA position 76, G replaced by A.
Molecular consequence: splice donor variant.
Genome position (GRCh38, 1-based): chr4:78,058,086, G>A. VCF-style: chr4-78058086-G-A. GRCh37 (hg19) VCF-style: chr4-78979240-G-A.
Other names: c.76+1G>A (NM_001166133.2).
Identifiers: ClinVar variation 1065900 (VCV001065900.7), dbSNP rs1739558635, ClinGen allele CA357463503.